The following is an entry in ClinVar:

NM_002224.4(ITPR3):c.4167C>T (p.Ser1389=)

Gene: ITPR3 (inositol 1,4,5-trisphosphate receptor type 3; plus strand). Cytogenetic location: 6p21.31.
Variant type: single nucleotide variant.
Coding change: c.4167C>T on transcript NM_002224.4 (MANE Select); coding-DNA position 4167, C replaced by T.
Protein change: p.Ser1389=; no amino-acid change (serine 1389 retained).
Molecular consequence: synonymous variant.
Genome position (GRCh38, 1-based): chr6:33,680,076, C>T. VCF-style: chr6-33680076-C-T. GRCh37 (hg19) VCF-style: chr6-33647853-C-T.
Identifiers: ClinVar variation 770550 (VCV000770550.8), dbSNP rs111882381, ClinGen allele CA3761148.

ClinVar aggregate classification (germline): Benign. Review status: criteria provided, multiple submitters, no conflicts (2 of 4 stars). 3 submissions from 3 submitters: Benign (2). 1 of the submissions does not count toward it. Last evaluated 2021-05-04.

Conditions:
ITPR3-related disorder. Also called: ITPR3-related condition.

Allele frequency attached by ClinVar (database versions not stated): gnomAD exomes 0.00323 and 0.00643; ExAC 0.00712; 1000 Genomes Project 0.01837; 1000 Genomes Project 30x 0.01905; gnomAD 0.02101 and 0.02266; ESP Exome Variant Server 0.02284; TOPMed 0.02388.
gnomAD v4.1: 8,168 of 1,613,718 alleles (0.51%); highest among the groups gnomAD compares: African/African-American, 6.7%; 186 homozygotes.

Submissions (3):

GeneDx
Classification: Benign. Last evaluated: 2021-05-04. Review status: criteria provided, single submitter. Criteria: GeneDx Variant Classification Process June 2021. Collection method: clinical testing. Allele origin: germline. Affected: yes.

Labcorp Genetics (formerly Invitae), Labcorp
Classification: Benign. Last evaluated: 2019-12-31. Review status: criteria provided, single submitter. Criteria: Invitae Variant Classification Sherloc (09022015). Collection method: clinical testing. Allele origin: germline.

PreventionGenetics, part of Exact Sciences
Classification: Benign for ITPR3-related condition. Last evaluated: 2019-02-19. Review status: no assertion criteria provided. Collection method: clinical testing. Allele origin: germline. Not counted in ClinVar's aggregate classification.
Comment: This variant is classified as benign based on ACMG/AMP sequence variant interpretation guidelines (Richards et al. 2015 PMID: 25741868, with internal and published modifications).